The following is an entry in ClinVar:

NM_000875.5(IGF1R):c.3938C>T (p.Ser1313Phe)

Gene: IGF1R (insulin like growth factor 1 receptor; plus strand). Cytogenetic location: 15q26.3.
Variant type: single nucleotide variant.
Coding change: c.3938C>T on transcript NM_000875.5 (MANE Select); coding-DNA position 3938, C replaced by T.
Protein change: p.Ser1313Phe; replaces serine 1313 with phenylalanine.
Molecular consequence: missense variant.
Genome position (GRCh38, 1-based): chr15:98,957,276, C>T. VCF-style: chr15-98957276-C-T. GRCh37 (hg19) VCF-style: chr15-99500505-C-T.
Other names: c.3935C>T, p.Ser1312Phe (NM_001291858.2); short protein forms S1312F, S1313F.
Identifiers: ClinVar variation 2501657 (VCV002501657.1), dbSNP rs1246697191, ClinGen allele CA393669198.
Genomic context (GRCh38, chr15:98,957,276, plus strand): 5'-TGGACCTGGAGCCAGAGAACATGGAGAGCGTCCCCCTGGACCCCTCGGCCTCCTCGTCCT[C>T]CCTGCCACTGCCCGACAGACACTCAGGACACAAGGCCGAGAACGGCCCCGGCCCTGGGGT-3'
Protein context (NP_000866.1, residues 1303-1323): VPLDPSASSS[Ser1313Phe]LPLPDRHSGH

ClinVar aggregate classification (germline): Uncertain significance (1 of 4 stars; one submission).

Allele frequency attached by ClinVar (database versions not stated): gnomAD exomes below 0.00001.
gnomAD v4.1: 1 of 1,614,034 alleles (0.000062%); no homozygotes.

Submission:

GeneDx
Classification: Uncertain significance. Last evaluated: 2023-05-08. Review status: criteria provided, single submitter. Criteria: GeneDx Variant Classification Process June 2021. Collection method: clinical testing. Allele origin: germline. Affected: yes.
Comment: Not observed at significant frequency in large population cohorts (gnomAD); In silico analysis supports that this missense variant does not alter protein structure/function; Has not been previously published as pathogenic or benign to our knowledge